The following is an entry in ClinVar:

ClinVar aggregate classification (germline): Uncertain significance (1 of 4 stars; one submission).

Conditions:
Familial episodic pain syndrome with predominantly lower limb involvement. Also called: Episodic pain syndrome, familial, 3. Identifiers: Orphanet 391384, Orphanet 391392, MedGen C3809899, MONDO:0014247, OMIM 615552.
Hereditary sensory and autonomic neuropathy type 7. Also called: Neuropathy, hereditary sensory and autonomic, type VII; HSAN VII. Identifiers: Orphanet 391397, MedGen C3809882, MONDO:0014244, OMIM 615548.

Allele frequency attached by ClinVar (database versions not stated): gnomAD exomes below 0.00001; TOPMed 0.00001; ExAC 0.00002; gnomAD 0.00002; 1000 Genomes Project 30x 0.00016; 1000 Genomes Project 0.00020.
gnomAD v4.1: 6 of 1,614,112 alleles (0.00037%); highest among the groups gnomAD compares: African/African-American, 0.0067%; no homozygotes.

Submission:

Labcorp Genetics (formerly Invitae), Labcorp
Classification: Uncertain significance for Familial episodic pain syndrome with predominantly lower limb involvement; Hereditary sensory and autonomic neuropathy type 7. Last evaluated: 2023-11-12. Review status: criteria provided, single submitter. Criteria: Invitae Variant Classification Sherloc (09022015). Collection method: clinical testing. Allele origin: germline.
Comment: This sequence change replaces isoleucine, which is neutral and non-polar, with valine, which is neutral and non-polar, at codon 1510 of the SCN11A protein (p.Ile1510Val). This variant is present in population databases (rs191164627, gnomAD 0.01%). This variant has not been reported in the literature in individuals affected with SCN11A-related conditions. Advanced modeling of protein sequence and biophysical properties (such as structural, functional, and spatial information, amino acid conservation, physicochemical variation, residue mobility, and thermodynamic stability) has been performed at Invitae for this missense variant, however the output from this modeling did not meet the statistical confidence thresholds required to predict the impact of this variant on SCN11A protein function. In summary, the available evidence is currently insufficient to determine the role of this variant in disease. Therefore, it has been classified as a Variant of Uncertain Significance.

NM_001349253.2(SCN11A):c.4528A>G (p.Ile1510Val)

Gene: SCN11A (sodium voltage-gated channel alpha subunit 11; minus strand). Cytogenetic location: 3p22.2.
Variant type: single nucleotide variant.
Coding change: c.4528A>G on transcript NM_001349253.2 (MANE Select); coding-DNA position 4528, A replaced by G.
Protein change: p.Ile1510Val; replaces isoleucine 1510 with valine.
Molecular consequence: missense variant.
Genome position (GRCh38, 1-based): chr3:38,847,542, T>C on the plus strand (A>G on the coding strand, the complement: SCN11A is on the minus strand). VCF-style: chr3-38847542-T-C. GRCh37 (hg19) VCF-style: chr3-38889033-T-C.
Other names: c.4528A>G, p.Ile1510Val (NM_014139.3); short protein forms I1510V.
Identifiers: ClinVar variation 2945023 (VCV002945023.3), dbSNP rs191164627, ClinGen allele CA2321501.